The following is an entry in ClinVar:

ClinVar aggregate classification (germline): Uncertain significance. Review status: criteria provided, single submitter (1 of 4 stars). 2 submissions from 2 submitters: Uncertain significance (1). 1 of the submissions does not count toward it. Last evaluated 2022-07-29.

Conditions:
Bardet-Biedl syndrome (BBS). Identifiers: Orphanet 110, MedGen C0752166, MONDO:0015229.
TRIM32-related disorder. Also called: TRIM32-related condition.

Submissions (2):

Labcorp Genetics (formerly Invitae), Labcorp
Classification: Uncertain significance for Bardet-Biedl syndrome. Last evaluated: 2022-07-29. Review status: criteria provided, single submitter. Criteria: Invitae Variant Classification Sherloc (09022015). Collection method: clinical testing. Allele origin: germline.
Comment: This sequence change replaces methionine, which is neutral and non-polar, with isoleucine, which is neutral and non-polar, at codon 370 of the TRIM32 protein (p.Met370Ile). This variant is not present in population databases (gnomAD no frequency). This variant has not been reported in the literature in individuals affected with TRIM32-related conditions. ClinVar contains an entry for this variant (Variation ID: 834139). Algorithms developed to predict the effect of missense changes on protein structure and function are either unavailable or do not agree on the potential impact of this missense change (SIFT: "Deleterious"; PolyPhen-2: "Benign"; Align-GVGD: "Class C0"). In summary, the available evidence is currently insufficient to determine the role of this variant in disease. Therefore, it has been classified as a Variant of Uncertain Significance.

PreventionGenetics, part of Exact Sciences
Classification: Uncertain significance for TRIM32-related condition. Last evaluated: 2024-05-01. Review status: no assertion criteria provided. Collection method: clinical testing. Allele origin: germline. Not counted in ClinVar's aggregate classification.
Comment: The TRIM32 c.1110G>A variant is predicted to result in the amino acid substitution p.Met370Ile. To our knowledge, this variant has not been reported in the literature or in a large population database, indicating this variant is rare. At this time, the clinical significance of this variant is uncertain due to the absence of conclusive functional and genetic evidence.

NM_012210.4(TRIM32):c.1110G>A (p.Met370Ile)

Genes: ASTN2 (astrotactin 2; minus strand), TRIM32 (tripartite motif containing 32; plus strand). Cytogenetic location: 9q33.1.
Variant type: single nucleotide variant.
Coding change: c.1110G>A on transcript NM_012210.4 (MANE Select); coding-DNA position 1110, G replaced by A.
Protein change: p.Met370Ile; replaces methionine 370 with isoleucine.
Molecular consequence: missense variant. On other transcripts: intron variant (3).
Genome position (GRCh38, 1-based): chr9:116,698,852, G>A. VCF-style: chr9-116698852-G-A. GRCh37 (hg19) VCF-style: chr9-119461131-G-A.
Other names: c.1110G>A, p.Met370Ile (NM_001099679.2, NM_001379048.1, NM_001379049.1 and 1 more transcripts); c.2653+26919C>T (NM_014010.5); c.2794+26919C>T (NM_001365069.1); c.2806+26919C>T (NM_001365068.1); short protein forms M370I.
Identifiers: ClinVar variation 834139 (VCV000834139.9), dbSNP rs1861024967, ClinGen allele CA374650975.